The following is an entry in ClinVar:

ClinVar aggregate classification (germline): Uncertain significance (1 of 4 stars; one submission).

gnomAD v4.1: 6 of 1,611,918 alleles (0.00037%); highest among the groups gnomAD compares: Non-Finnish European, 0.00051%; no homozygotes.

Submission:

CeGaT Center for Human Genetics Tuebingen
Classification: Uncertain significance. Last evaluated: 2025-01-01. Review status: criteria provided, single submitter. Criteria: CeGaT Center For Human Genetics Tuebingen Variant Classification Criteria Version 2. Collection method: clinical testing. Allele origin: germline. Affected: yes. Observed: 1 variant allele.
Comment: NOBOX: PM2

NM_001436401.1(NOBOX):c.787G>T (p.Ala263Ser)

Gene: NOBOX (NOBOX oogenesis homeobox; minus strand). Cytogenetic location: 7q35.
Variant type: single nucleotide variant.
Coding change: c.787G>T on transcript NM_001436401.1 (MANE Select); coding-DNA position 787, G replaced by T.
Protein change: p.Ala263Ser; replaces alanine 263 with serine.
Molecular consequence: missense variant.
Genome position (GRCh38, 1-based): chr7:144,399,773, C>A on the plus strand (G>T on the coding strand, the complement: NOBOX is on the minus strand). VCF-style: chr7-144399773-C-A. GRCh37 (hg19) VCF-style: chr7-144096866-C-A.
Other names: c.235G>T, p.Ala79Ser (NM_001436402.1); short protein forms A263S, A79S.
Identifiers: ClinVar variation 3770757 (VCV003770757.13).